The following is an entry in ClinVar:

NM_001035.3(RYR2):c.14602G>A (p.Asp4868Asn)

Gene: RYR2 (ryanodine receptor 2; plus strand). Cytogenetic location: 1q43.
Variant type: single nucleotide variant.
Coding change: c.14602G>A on transcript NM_001035.3 (MANE Select); coding-DNA position 14602, G replaced by A.
Protein change: p.Asp4868Asn; replaces aspartic acid 4868 with asparagine.
Molecular consequence: missense variant.
Genome position (GRCh38, 1-based): chr1:237,828,392, G>A. VCF-style: chr1-237828392-G-A. GRCh37 (hg19) VCF-style: chr1-237991692-G-A.
Other names: short protein forms D4868N.
Identifiers: ClinVar variation 969004 (VCV000969004.11), dbSNP rs1663399787, ClinGen allele CA345429261.

ClinVar aggregate classification (germline): Uncertain significance (1 of 4 stars; one submission).

Conditions:
Catecholaminergic polymorphic ventricular tachycardia 1. Also called: VENTRICULAR TACHYCARDIA, CATECHOLAMINERGIC POLYMORPHIC, 1, WITH OR WITHOUT ATRIAL DYSFUNCTION AND/OR DILATED CARDIOMYOPATHY; RYR2-Related Catecholaminergic Polymorphic Ventricular Tachycardia; VENTRICULAR TACHYCARDIA, STRESS-INDUCED POLYMORPHIC 1. Identifiers: Orphanet 3286, MedGen C1631597, MONDO:0011484, OMIM 604772.

Submission:

Labcorp Genetics (formerly Invitae), Labcorp
Classification: Uncertain significance for Catecholaminergic polymorphic ventricular tachycardia 1. Last evaluated: 2022-03-25. Review status: criteria provided, single submitter. Criteria: Invitae Variant Classification Sherloc (09022015). Collection method: clinical testing. Allele origin: germline.
Comment: ClinVar contains an entry for this variant (Variation ID: 969004). This variant has not been reported in the literature in individuals affected with RYR2-related conditions. This variant is not present in population databases (gnomAD no frequency). This sequence change replaces aspartic acid, which is acidic and polar, with asparagine, which is neutral and polar, at codon 4868 of the RYR2 protein (p.Asp4868Asn). Advanced modeling of protein sequence and biophysical properties (such as structural, functional, and spatial information, amino acid conservation, physicochemical variation, residue mobility, and thermodynamic stability) performed at Invitae indicates that this missense variant is expected to disrupt RYR2 protein function. In summary, the available evidence is currently insufficient to determine the role of this variant in disease. Therefore, it has been classified as a Variant of Uncertain Significance.